The following is an entry in ClinVar:

ClinVar aggregate classification (germline): Uncertain significance. Review status: criteria provided, multiple submitters, no conflicts (2 of 4 stars). 5 submissions from 5 submitters: Uncertain significance (5). Last evaluated 2024-11-03.

Conditions:
Connective tissue disorder. Also called: Connective tissue disease. Identifiers: MedGen C0009782, MONDO:0003900.
TRPV4-related disorder. Also called: TRPV4-related disorders; TRPV4-related condition.
Charcot-Marie-Tooth disease. Also called: Charcot-Marie-Tooth Hereditary Neuropathy; Charcot-Marie-Tooth Neuropathy. Identifiers: Orphanet 166, MedGen C0007959, MONDO:0015626.
Charcot-Marie-Tooth disease axonal type 2C (HMSN2C). Also called: Charcot-Marie-Tooth Disease Type 2, TRPV4-Related (CMT2C); CHARCOT-MARIE-TOOTH DISEASE, AXONAL, AUTOSOMAL DOMINANT, TYPE 2C; Charcot-Marie-Tooth Neuropathy Type 2C. Identifiers: Orphanet 99937, MedGen C1853710, MONDO:0011633, OMIM 606071.

Allele frequency attached by ClinVar (database versions not stated): gnomAD 0.00002 and 0.00001; TOPMed 0.00002; ExAC 0.00003; gnomAD exomes 0.00003; ESP Exome Variant Server 0.00008.
gnomAD v4.1: 40 of 1,613,684 alleles (0.0025%); highest among the groups gnomAD compares: South Asian, 0.011%; 1 homozygote.

Submissions (5):

Labcorp Genetics (formerly Invitae), Labcorp
Classification: Uncertain significance for Charcot-Marie-Tooth disease axonal type 2C. Last evaluated: 2024-11-03. Review status: criteria provided, single submitter. Criteria: Invitae Variant Classification Sherloc (09022015). Collection method: clinical testing. Allele origin: germline.
Comment: This sequence change replaces arginine, which is basic and polar, with cysteine, which is neutral and slightly polar, at codon 852 of the TRPV4 protein (p.Arg852Cys). This variant is present in population databases (rs372583866, gnomAD 0.01%). This missense change has been observed in individual(s) with clinical features of Charcot-Marie-Tooth disease (PMID: 32376792; internal data). ClinVar contains an entry for this variant (Variation ID: 857016). Invitae Evidence Modeling of protein sequence and biophysical properties (such as structural, functional, and spatial information, amino acid conservation, physicochemical variation, residue mobility, and thermodynamic stability) has been performed for this missense variant. However, the output from this modeling did not meet the statistical confidence thresholds required to predict the impact of this variant on TRPV4 protein function. In summary, the available evidence is currently insufficient to determine the role of this variant in disease. Therefore, it has been classified as a Variant of Uncertain Significance.

PreventionGenetics, part of Exact Sciences
Classification: Uncertain significance for TRPV4-related condition. Last evaluated: 2023-02-27. Review status: criteria provided, single submitter. Criteria: ACMG Guidelines, 2015. Collection method: clinical testing. Allele origin: germline.
Comment: The TRPV4 c.2554C>T variant is predicted to result in the amino acid substitution p.Arg852Cys. This variant was reported as a variant of uncertain significance in an individual with Charcot-Marie-Tooth disease (Table S2 - Volodarsky et al. 2021. PubMed ID: 32376792). This variant is reported in 0.012% of alleles in individuals of African descent in gnomAD. At this time, the clinical significance of this variant is uncertain due to the absence of conclusive functional and genetic evidence.

Genome Diagnostics Laboratory, The Hospital for Sick Children
Classification: Uncertain significance for Connective tissue disorder. Last evaluated: 2022-03-17. Review status: criteria provided, single submitter. Criteria: ACMG Guidelines, 2015. Collection method: clinical testing. Allele origin: germline.

Breakthrough Genomics
Classification: Uncertain significance. Review status: criteria provided, single submitter. Criteria: ACMG Guidelines, 2015. Collection method: not provided. Allele origin: germline. Inheritance: Autosomal dominant inheritance. Affected: yes.

Molecular Genetics Laboratory, London Health Sciences Centre
Classification: Uncertain significance for Charcot-Marie-Tooth disease. Review status: criteria provided, single submitter. Criteria: ACMG Guidelines, 2015. Collection method: clinical testing. Allele origin: germline. Affected: yes.

Literature cited by the submitters: PubMed 32376792 (cited by Labcorp Genetics (formerly Invitae), Labcorp).

NM_021625.5(TRPV4):c.2554C>T (p.Arg852Cys)

Gene: TRPV4 (transient receptor potential cation channel subfamily V member 4; minus strand). Cytogenetic location: 12q24.11.
Variant type: single nucleotide variant.
Coding change: c.2554C>T on transcript NM_021625.5 (MANE Select); coding-DNA position 2554, C replaced by T.
Protein change: p.Arg852Cys; replaces arginine 852 with cysteine.
Molecular consequence: missense variant.
Genome position (GRCh38, 1-based): chr12:109,783,683, G>A on the plus strand (C>T on the coding strand, the complement: TRPV4 is on the minus strand). VCF-style: chr12-109783683-G-A. GRCh37 (hg19) VCF-style: chr12-110221488-G-A.
Other names: c.2374C>T, p.Arg792Cys (NM_147204.3); c.2413C>T, p.Arg805Cys (NM_001177428.2); c.2452C>T, p.Arg818Cys (NM_001177431.2); c.2233C>T, p.Arg745Cys (NM_001177433.2); short protein forms R745C, R792C, R818C, R805C, R852C.
Identifiers: ClinVar variation 857016 (VCV000857016.12), dbSNP rs372583866, ClinGen allele CA6779861.